The following is an entry in ClinVar:

NM_001077350.3(NPRL3):c.1565del (p.Gly522fs)

Gene: NPRL3 (NPR3 like, GATOR1 complex subunit; minus strand). Cytogenetic location: 16p13.3.
Variant type: Deletion.
Coding change: c.1565del on transcript NM_001077350.3 (MANE Select); coding-DNA position 1565, one base deleted (G; older notation c.1565delG).
Protein change: p.Gly522fs; shifts the reading frame from glycine 522.
Molecular consequence: frameshift variant.
Genome position (GRCh38, 1-based): chr16:86,850, C deleted on the plus strand (G on the coding strand, the reverse complement: NPRL3 is on the minus strand); the first of 2 consecutive C bases (chr16:86,850-86,851); deleting either gives the same sequence. VCF-style (leftmost placement, unchanged base first): chr16-86849-GC-G. GRCh37 (hg19) VCF-style: chr16-136848-GC-G.
Other names: c.1028del, p.Gly343fs (NM_001039476.3); c.1331del, p.Gly444fs (NM_001243247.2); c.1490del, p.Gly497fs (NM_001243248.2, NM_001243249.2); short protein forms G522fs, G497fs, G343fs, G444fs.
Identifiers: ClinVar variation 2050112 (VCV002050112.4), dbSNP rs2542791760, ClinGen allele CA2580092050.
Genomic context (GRCh38, chr16:86,849, plus strand): 5'-CATGAGCAGCTGGGAGCGCCGCGTGTTCTCGTTGTACATAATCTCCTCCAGGTGGTGGCG[GC>G]CGCGGAAGTAGTGAAGGAGCCTGGAAGGGATGGGTGGGTGTGAGCCCAACCTGACACCAG-3'

ClinVar aggregate classification (germline): Uncertain significance (1 of 4 stars; one submission).

Conditions:
Epilepsy, familial focal, with variable foci 3 (FFEVF3). Identifiers: MedGen C4310708, MONDO:0014925, OMIM 617118.

Submission:

Labcorp Genetics (formerly Invitae), Labcorp
Classification: Uncertain significance for Epilepsy, familial focal, with variable foci 3. Last evaluated: 2022-08-16. Review status: criteria provided, single submitter. Criteria: Invitae Variant Classification Sherloc (09022015). Collection method: clinical testing. Allele origin: germline.
Comment: This sequence change creates a premature translational stop signal (p.Gly522Alafs*32) in the NPRL3 gene. While this is not anticipated to result in nonsense mediated decay, it is expected to disrupt the last 48 amino acid(s) of the NPRL3 protein. This variant is not present in population databases (gnomAD no frequency). This variant has not been reported in the literature in individuals affected with NPRL3-related conditions. Experimental studies and prediction algorithms are not available or were not evaluated, and the functional significance of this variant is currently unknown. In summary, the available evidence is currently insufficient to determine the role of this variant in disease. Therefore, it has been classified as a Variant of Uncertain Significance.